The following is an entry in ClinVar:

ClinVar aggregate classification (germline): Uncertain significance. Review status: criteria provided, multiple submitters, no conflicts (2 of 4 stars). 2 submissions from 2 submitters: Uncertain significance (2). Last evaluated 2022-09-27.

Conditions:
Inborn genetic diseases. Identifiers: MedGen C0950123, MeSH D030342.

Allele frequency attached by ClinVar (database versions not stated): gnomAD 0.00003; gnomAD exomes 0.00007.
gnomAD v4.1: 106 of 1,613,800 alleles (0.0066%); highest among the groups gnomAD compares: Non-Finnish European, 0.0085%; no homozygotes.

Submissions (2):

Labcorp Genetics (formerly Invitae), Labcorp
Classification: Uncertain significance. Last evaluated: 2022-09-27. Review status: criteria provided, single submitter. Criteria: Invitae Variant Classification Sherloc (09022015). Collection method: clinical testing. Allele origin: germline.
Comment: This sequence change replaces proline, which is neutral and non-polar, with leucine, which is neutral and non-polar, at codon 802 of the PCLO protein (p.Pro802Leu). This variant is present in population databases (no rsID available, gnomAD 0.004%). This variant has not been reported in the literature in individuals affected with PCLO-related conditions. Algorithms developed to predict the effect of missense changes on protein structure and function output the following: SIFT: "Deleterious"; PolyPhen-2: "Not Available"; Align-GVGD: "Class C0". The leucine amino acid residue is found in multiple mammalian species, which suggests that this missense change does not adversely affect protein function. In summary, the available evidence is currently insufficient to determine the role of this variant in disease. Therefore, it has been classified as a Variant of Uncertain Significance.

Ambry Genetics
Classification: Uncertain significance for Inborn genetic diseases. Last evaluated: 2022-04-22. Review status: criteria provided, single submitter. Criteria: Ambry Variant Classification Scheme 2023. Collection method: clinical testing. Allele origin: germline.

NM_033026.6(PCLO):c.2405C>T (p.Pro802Leu)

Gene: PCLO (piccolo presynaptic cytomatrix protein; minus strand). Cytogenetic location: 7q21.11.
Variant type: single nucleotide variant.
Coding change: c.2405C>T on transcript NM_033026.6 (MANE Select); coding-DNA position 2405, C replaced by T.
Protein change: p.Pro802Leu; replaces proline 802 with leucine.
Molecular consequence: missense variant.
Genome position (GRCh38, 1-based): chr7:83,135,145, G>A on the plus strand (C>T on the coding strand, the complement: PCLO is on the minus strand). VCF-style: chr7-83135145-G-A. GRCh37 (hg19) VCF-style: chr7-82764461-G-A.
Other names: c.2405C>T, p.Pro802Leu (NM_014510.3); short protein forms P802L.
Identifiers: ClinVar variation 1967533 (VCV001967533.3), dbSNP rs1049046453, ClinGen allele CA161172632.